The following is an entry in ClinVar:

ClinVar aggregate classification (germline): Uncertain significance (1 of 4 stars; one submission).

Conditions:
Primary ciliary dyskinesia. Also called: Ciliary dyskinesia. Identifiers: Orphanet 244, MedGen C0008780, MONDO:0016575, HP:0012265.

Submission:

Labcorp Genetics (formerly Invitae), Labcorp
Classification: Uncertain significance for Primary ciliary dyskinesia. Last evaluated: 2018-09-20. Review status: criteria provided, single submitter. Criteria: Invitae Variant Classification Sherloc (09022015). Collection method: clinical testing. Allele origin: germline.
Comment: This sequence change replaces alanine with glutamic acid at codon 152 of the DNAAF2 protein (p.Ala152Glu). The alanine residue is moderately conserved and there is a moderate physicochemical difference between alanine and glutamic acid. This variant is not present in population databases (ExAC no frequency). This variant has not been reported in the literature in individuals with DNAAF2-related disease. Algorithms developed to predict the effect of missense changes on protein structure and function output the following: SIFT: "Tolerated"; PolyPhen-2: "Benign"; Align-GVGD: "Class C0". The glutamic acid amino acid residue is found in multiple mammalian species, suggesting that this missense change does not adversely affect protein function. These predictions have not been confirmed by published functional studies and their clinical significance is uncertain. In summary, the available evidence is currently insufficient to determine the role of this variant in disease. Therefore, it has been classified as a Variant of Uncertain Significance.

NM_018139.3(DNAAF2):c.455C>A (p.Ala152Glu)

Gene: DNAAF2 (dynein axonemal assembly factor 2; minus strand). Cytogenetic location: 14q21.3.
Variant type: single nucleotide variant.
Coding change: c.455C>A on transcript NM_018139.3 (MANE Select); coding-DNA position 455, C replaced by A.
Protein change: p.Ala152Glu; replaces alanine 152 with glutamic acid.
Molecular consequence: missense variant.
Genome position (GRCh38, 1-based): chr14:49,634,695, G>T on the plus strand (C>A on the coding strand, the complement: DNAAF2 is on the minus strand). VCF-style: chr14-49634695-G-T. GRCh37 (hg19) VCF-style: chr14-50101413-G-T.
Other names: c.455C>A, p.Ala152Glu (NM_001083908.2); short protein forms A152E.
Identifiers: ClinVar variation 644416 (VCV000644416.9), dbSNP rs1594609551, ClinGen allele CA389631815.